The following is an entry in ClinVar:

NM_174916.3(UBR1):c.3757+1G>A

Gene: UBR1 (ubiquitin protein ligase E3 component n-recognin 1; minus strand). Cytogenetic location: 15q15.2.
Variant type: single nucleotide variant.
Coding change: c.3757+1G>A on transcript NM_174916.3 (MANE Select); the canonical splice donor site of the intron after coding-DNA position 3757, G replaced by A.
Molecular consequence: splice donor variant.
Genome position (GRCh38, 1-based): chr15:42,998,167, C>T on the plus strand (G>A on the coding strand, the complement: UBR1 is on the minus strand). VCF-style: chr15-42998167-C-T. GRCh37 (hg19) VCF-style: chr15-43290365-C-T.
Identifiers: ClinVar variation 2767054 (VCV002767054.3), dbSNP rs2542936690, ClinGen allele CA392053645.

ClinVar aggregate classification (germline): Likely pathogenic (1 of 4 stars; one submission).

Allele frequency attached by ClinVar (database versions not stated): gnomAD exomes below 0.00001.
gnomAD v4.1: 1 of 1,611,380 alleles (0.000062%); highest among the groups gnomAD compares: South Asian, 0.0011%; no homozygotes.

Submission:

Labcorp Genetics (formerly Invitae), Labcorp
Classification: Likely pathogenic. Last evaluated: 2023-10-09. Review status: criteria provided, single submitter. Criteria: Invitae Variant Classification Sherloc (09022015). Collection method: clinical testing. Allele origin: germline.
Comment: This sequence change affects a donor splice site in intron 33 of the UBR1 gene. It is expected to disrupt RNA splicing. Variants that disrupt the donor or acceptor splice site typically lead to a loss of protein function (PMID: 16199547), and loss-of-function variants in UBR1 are known to be pathogenic (PMID: 24599544). This variant is not present in population databases (gnomAD no frequency). This variant has not been reported in the literature in individuals affected with UBR1-related conditions. Algorithms developed to predict the effect of sequence changes on RNA splicing suggest that this variant may disrupt the consensus splice site. In summary, the currently available evidence indicates that the variant is pathogenic, but additional data are needed to prove that conclusively. Therefore, this variant has been classified as Likely Pathogenic.

Literature cited by the submitters: PubMed 16199547; PubMed 24599544.